The following is an entry in ClinVar:

ClinVar aggregate classification (germline): Uncertain significance (1 of 4 stars; one submission).

Submission:

GeneDx
Classification: Uncertain significance. Last evaluated: 2022-08-18. Review status: criteria provided, single submitter. Criteria: GeneDx Variant Classification Process June 2021. Collection method: clinical testing. Allele origin: germline. Affected: yes.
Comment: Not observed at significant frequency in large population cohorts (gnomAD); In silico analysis supports that this missense variant has a deleterious effect on protein structure/function; Has not been previously published as pathogenic or benign to our knowledge

NM_014159.7(SETD2):c.6543C>A (p.Asn2181Lys)

Gene: SETD2 (SET domain containing 2, histone lysine methyltransferase; minus strand). Cytogenetic location: 3p21.31.
Variant type: single nucleotide variant.
Coding change: c.6543C>A on transcript NM_014159.7 (MANE Select); coding-DNA position 6543, C replaced by A.
Protein change: p.Asn2181Lys; replaces asparagine 2181 with lysine.
Molecular consequence: missense variant. On other transcripts: non-coding transcript variant (1).
Genome position (GRCh38, 1-based): chr3:47,057,241, G>T on the plus strand (C>A on the coding strand, the complement: SETD2 is on the minus strand). VCF-style: chr3-47057241-G-T. GRCh37 (hg19) VCF-style: chr3-47098731-G-T.
Other names: c.6411C>A, p.Asn2137Lys (NM_001349370.3); short protein forms N2137K, N2181K.
Identifiers: ClinVar variation 2430429 (VCV002430429.1), dbSNP rs2107576409, ClinGen allele CA352520734.